The following is an entry in ClinVar:

NM_000384.3(APOB):c.8176C>G (p.Leu2726Val)

Gene: APOB (apolipoprotein B; minus strand). Cytogenetic location: 2p24.1.
Variant type: single nucleotide variant.
Coding change: c.8176C>G on transcript NM_000384.3 (MANE Select); coding-DNA position 8176, C replaced by G.
Protein change: p.Leu2726Val; replaces leucine 2726 with valine.
Molecular consequence: missense variant.
Genome position (GRCh38, 1-based): chr2:21,008,692, G>C on the plus strand (C>G on the coding strand, the complement: APOB is on the minus strand). VCF-style: chr2-21008692-G-C. GRCh37 (hg19) VCF-style: chr2-21231564-G-C.
Other names: short protein forms L2726V.
Identifiers: ClinVar variation 3416099 (VCV003416099.2), dbSNP rs1356562605.

ClinVar aggregate classification (germline): Uncertain significance. Review status: criteria provided, multiple submitters, no conflicts (2 of 4 stars). 2 submissions from 2 submitters: Uncertain significance (2). Last evaluated 2026-05-08.

Conditions:
Cardiovascular phenotype. Identifiers: MedGen CN230736.
Familial hypercholesterolemia. Also called: Familial hypercholesterolemias; Familial hypercholesterolaemia. Identifiers: MedGen C0020445, MONDO:0005439.

Allele frequency attached by ClinVar (database versions not stated): gnomAD exomes below 0.00001; TOPMed 0.00001.
gnomAD v4.1: 10 of 1,614,122 alleles (0.00062%); highest among the groups gnomAD compares: Non-Finnish European, 0.00076%; no homozygotes.

Submissions (2):

Cambridge Genomics Laboratory, East Genomic Laboratory Hub, NHS Genomic Medicine Service
Classification: Uncertain significance for Familial hypercholesterolaemia. Last evaluated: 2026-05-08. Review status: criteria provided, single submitter. Criteria: ACGS Best Practice Guidelines for Variant Classification in Rare Disease 2020. Collection method: clinical testing. Allele origin: germline. Affected: yes.
Comment: PM2_Supporting,PP4

Ambry Genetics
Classification: Uncertain significance for Cardiovascular phenotype. Last evaluated: 2024-09-23. Review status: criteria provided, single submitter. Criteria: Ambry Variant Classification Scheme 2023. Collection method: clinical testing. Allele origin: germline.
Comment: The p.L2726V variant (also known as c.8176C>G), located in coding exon 26 of the APOB gene, results from a C to G substitution at nucleotide position 8176. The leucine at codon 2726 is replaced by valine, an amino acid with highly similar properties. This amino acid position is conserved. In addition, this alteration is predicted to be tolerated by in silico analysis. Based on the available evidence, the clinical significance of this variant remains unclear.